The following is an entry in ClinVar:

ClinVar aggregate classification (germline): Conflicting classifications of pathogenicity. Review status: criteria provided, conflicting classifications (1 of 4 stars). 2 submissions from 2 submitters: Uncertain significance (1); Likely benign (1). Last evaluated 2026-05-19.

Conditions:
Hereditary cancer-predisposing syndrome. Also called: Neoplastic Syndromes, Hereditary; Tumor predisposition; Hereditary Cancer Syndrome; Hereditary neoplastic syndrome. Identifiers: Orphanet 140162, MedGen C0027672, MeSH D009386, MONDO:0015356.
Retinoblastoma (RB1). Also called: RETINOBLASTOMA, SOMATIC. Identifiers: Orphanet 790, MedGen C0035335, MeSH D012175, MONDO:0008380, OMIM 180200, HP:0009919. Disease mechanism: loss of function. Inheritance: Both sporadic and heritable forms are tested..

Allele frequency attached by ClinVar (database versions not stated): gnomAD exomes below 0.00001.
gnomAD v4.1: 1 of 1,613,470 alleles (0.000062%); highest among the groups gnomAD compares: East Asian, 0.0022%; no homozygotes.

Submissions (2):

Ambry Genetics
Classification: Likely benign for Hereditary cancer-predisposing syndrome. Last evaluated: 2026-05-19. Review status: criteria provided, single submitter. Criteria: Ambry Variant Classification Scheme 2023. Collection method: clinical testing. Allele origin: germline.

Labcorp Genetics (formerly Invitae), Labcorp
Classification: Uncertain significance for Retinoblastoma. Last evaluated: 2025-09-10. Review status: criteria provided, single submitter. Criteria: Invitae Variant Classification Sherloc (09022015). Collection method: clinical testing. Allele origin: germline.
Comment: This sequence change replaces leucine, which is neutral and non-polar, with isoleucine, which is neutral and non-polar, at codon 859 of the RB1 protein (p.Leu859Ile). This variant is not present in population databases (gnomAD no frequency). This variant has not been reported in the literature in individuals affected with RB1-related conditions. ClinVar contains an entry for this variant (Variation ID: 3231228). Invitae Evidence Modeling of protein sequence and biophysical properties (such as structural, functional, and spatial information, amino acid conservation, physicochemical variation, residue mobility, and thermodynamic stability) has been performed for this missense variant. However, the output from this modeling did not meet the statistical confidence thresholds required to predict the impact of this variant on RB1 protein function. In summary, the available evidence is currently insufficient to determine the role of this variant in disease. Therefore, it has been classified as a Variant of Uncertain Significance.

NM_000321.3(RB1):c.2575C>A (p.Leu859Ile)

Gene: RB1 (RB transcriptional corepressor 1; plus strand). Cytogenetic location: 13q14.2.
Variant type: single nucleotide variant.
Coding change: c.2575C>A on transcript NM_000321.3 (MANE Select); coding-DNA position 2575, C replaced by A.
Protein change: p.Leu859Ile; replaces leucine 859 with isoleucine.
Molecular consequence: missense variant.
Genome position (GRCh38, 1-based): chr13:48,476,755, C>A. VCF-style: chr13-48476755-C-A. GRCh37 (hg19) VCF-style: chr13-49050891-C-A.
Other names: c.2575C>A, p.Leu859Ile (NM_001407165.1); c.25C>A, p.Leu9Ile (NM_001407168.1); short protein forms L859I, L9I.
Identifiers: ClinVar variation 3231228 (VCV003231228.4), dbSNP rs2542384372, ClinGen allele CA388157300.